The following is an entry in ClinVar:

ClinVar aggregate classification (germline): Uncertain significance. Review status: criteria provided, multiple submitters, no conflicts (2 of 4 stars). 6 submissions from 6 submitters: Uncertain significance (6). Last evaluated 2026-02-18.

Conditions:
Developmental and epileptic encephalopathy, 18 (DEE18). Also called: Early infantile epileptic encephalopathy 18. Identifiers: Orphanet 369894, MedGen C3809624, MONDO:0014201, OMIM 615476.
Inborn genetic diseases. Identifiers: MedGen C0950123, MeSH D030342.

Allele frequency attached by ClinVar (database versions not stated): TOPMed 0.00002; gnomAD 0.00005; 1000 Genomes Project 30x 0.00016; 1000 Genomes Project 0.00020.
gnomAD v4.1: 47 of 1,612,880 alleles (0.0029%); highest among the groups gnomAD compares: South Asian, 0.022%; no homozygotes.

Submissions (6):

GeneDx
Classification: Uncertain significance. Last evaluated: 2026-02-18. Review status: criteria provided, single submitter. Criteria: GeneDx Variant Classification Process June 2021. Collection method: clinical testing. Allele origin: germline.
Comment: Not observed at significant frequency in large population cohorts (gnomAD); In silico analysis suggests that this missense variant does not alter protein structure/function; Has not been previously published as pathogenic or benign to our knowledge

Ambry Genetics
Classification: Uncertain significance for Inborn genetic diseases. Last evaluated: 2025-08-04. Review status: criteria provided, single submitter. Criteria: Ambry Variant Classification Scheme 2023. Collection method: clinical testing. Allele origin: germline.

Genome-Nilou Lab
Classification: Uncertain significance for Developmental and epileptic encephalopathy, 18. Last evaluated: 2023-04-11. Review status: criteria provided, single submitter. Criteria: ACMG Guidelines, 2015. Collection method: clinical testing. Allele origin: germline. Affected: no.

Institute of Human Genetics, University of Leipzig Medical Center
Classification: Uncertain significance for Developmental and epileptic encephalopathy, 18. Last evaluated: 2022-12-08. Review status: criteria provided, single submitter. Criteria: ACMG Guidelines, 2015. Collection method: clinical testing. Allele origin: unknown. Affected: yes.
Comment: Criteria applied: PM2_SUP, PM5_SUP

Labcorp Genetics (formerly Invitae), Labcorp
Classification: Uncertain significance. Last evaluated: 2022-05-24. Review status: criteria provided, single submitter. Criteria: Invitae Variant Classification Sherloc (09022015). Collection method: clinical testing. Allele origin: germline.
Comment: This sequence change replaces arginine, which is basic and polar, with glutamine, which is neutral and polar, at codon 1517 of the SZT2 protein (p.Arg1517Gln). This variant is present in population databases (rs532357677, gnomAD 0.01%). This variant has not been reported in the literature in individuals affected with SZT2-related conditions. ClinVar contains an entry for this variant (Variation ID: 411940). Algorithms developed to predict the effect of missense changes on protein structure and function output the following: SIFT: "Tolerated"; PolyPhen-2: "Possibly Damaging"; Align-GVGD: "Class C0". The glutamine amino acid residue is found in multiple mammalian species, which suggests that this missense change does not adversely affect protein function. Algorithms developed to predict the effect of sequence changes on RNA splicing suggest that this variant may create or strengthen a splice site. In summary, the available evidence is currently insufficient to determine the role of this variant in disease. Therefore, it has been classified as a Variant of Uncertain Significance.

Neuberg Centre For Genomic Medicine, NCGM
Classification: Uncertain significance for Developmental and epileptic encephalopathy, 18. Review status: criteria provided, single submitter. Criteria: ACMG Guidelines, 2015. Collection method: clinical testing. Allele origin: germline. Inheritance: Autosomal recessive inheritance. Affected: yes.
Comment: The observed missense variant c.4721G>A(p.Arg1574Gln) in SZT2 gene has not been reported previously as a pathogenic variant nor as a benign variant, to our knowledge. The c.4721G>A variant has 0.004% allele frequency in gnomAD Exomes.This variant has been reported to the ClinVar database as Uncertain Significance. However, study on multiple affected individuals and the functional impact of the variant is not available.The amino acid Arginine at position 1574 is changed to a Glutamine changing protein sequence and it might alter its composition and physico-chemical properties. The amino acid change p.Arg1574Gln in SZT2 is predicted as conserved by GERP++ and PhyloP across 100 vertebrates. For these reasons, this variant has been classified as Uncertain Significance.

NM_001365999.1(SZT2):c.4721G>A (p.Arg1574Gln)

Gene: SZT2 (SZT2 subunit of KICSTOR complex; plus strand). Cytogenetic location: 1p34.2.
Variant type: single nucleotide variant.
Coding change: c.4721G>A on transcript NM_001365999.1 (MANE Select); coding-DNA position 4721, G replaced by A.
Protein change: p.Arg1574Gln; replaces arginine 1574 with glutamine.
Molecular consequence: missense variant.
Genome position (GRCh38, 1-based): chr1:43,430,736, G>A. VCF-style: chr1-43430736-G-A. GRCh37 (hg19) VCF-style: chr1-43896407-G-A.
Other names: c.4550G>A, p.Arg1517Gln (NM_015284.4); short protein forms R1517Q, R1574Q.
Identifiers: ClinVar variation 411940 (VCV000411940.17), dbSNP rs532357677, ClinGen allele CA809360.
Genomic context (GRCh38, chr1:43,430,736, plus strand): 5'-GGCCTGAGAGCTTCCTTCATGACCTGCCACCGCTCTTCCTGCACCTCACGTGCTCCGTGC[G>A]GCTACGTGGGCAGCACAGCTCAGTACCTGTGTGCAGCCTGCCTACCTGCCTGGGTGAGTT-3'
Protein context (NP_001352928.1, residues 1564-1584): PLFLHLTCSV[Arg1574Gln]LRGQHSSVPV